The following is an entry in ClinVar:

NM_001370466.1(NOD2):c.1349C>G (p.Ser450Ter)

Gene: NOD2 (nucleotide binding oligomerization domain containing 2; plus strand). Cytogenetic location: 16q12.1.
Variant type: single nucleotide variant.
Coding change: c.1349C>G on transcript NM_001370466.1 (MANE Select); coding-DNA position 1349, C replaced by G.
Protein change: p.Ser450Ter; replaces serine 450 with a stop codon.
Molecular consequence: nonsense. On other transcripts: non-coding transcript variant (1).
Genome position (GRCh38, 1-based): chr16:50,711,341, C>G. VCF-style: chr16-50711341-C-G. GRCh37 (hg19) VCF-style: chr16-50745252-C-G.
Other names: c.1349C>G, p.Ser450Ter (NM_001293557.2); c.1430C>G, p.Ser477Ter (NM_022162.3); short protein forms S477*, S450*.
Identifiers: ClinVar variation 2146133 (VCV002146133.5), dbSNP rs1244100618, ClinGen allele CA395868906.
Genomic context (GRCh38, chr16:50,711,341, plus strand): 5'-GGAAGCGCCATCATGAGCCCGGGGTGGCGGACCGCCTCATCCGCCTGCTCCAAGAGACCT[C>G]AGCCCTGCACGGTTTGTGCCACCTGCCTGTCTTCTCATGGATGGTGTCCAAATGCCACCA-3'

ClinVar aggregate classification (germline): Uncertain significance. Review status: criteria provided, multiple submitters, no conflicts (2 of 4 stars). 2 submissions from 2 submitters: Uncertain significance (2). Last evaluated 2023-08-10.

Conditions:
Blau syndrome (BLAUS). Also called: GRANULOMATOSIS, FAMILIAL JUVENILE SYSTEMIC; GRANULOMATOSIS, FAMILIAL, BLAU TYPE; GRANULOMATOUS INFLAMMATORY ARTHRITIS, DERMATITIS, AND UVEITIS, FAMILIAL; JABS SYNDROME; ARTHROCUTANEOUVEAL GRANULOMATOSIS. Identifiers: Orphanet 90340, MedGen C5201146, MONDO:0008523, OMIM 186580.
Regional enteritis. Also called: Enteritis, Granulomatous. Identifiers: MedGen C0678202, MeSH D003424.

Allele frequency attached by ClinVar (database versions not stated): gnomAD 0.00001; gnomAD exomes 0.00001; TOPMed 0.00001.
gnomAD v4.1: 7 of 1,613,552 alleles (0.00043%); highest among the groups gnomAD compares: Non-Finnish European, 0.00059%; no homozygotes.

Submissions (2):

Labcorp Genetics (formerly Invitae), Labcorp
Classification: Uncertain significance for Regional enteritis; Blau syndrome. Last evaluated: 2023-08-10. Review status: criteria provided, single submitter. Criteria: Invitae Variant Classification Sherloc (09022015). Collection method: clinical testing. Allele origin: germline.
Comment: This sequence change creates a premature translational stop signal (p.Ser477*) in the NOD2 gene. It is expected to result in an absent or disrupted protein product. However, the current clinical and genetic evidence is not sufficient to establish whether loss-of-function variants in NOD2 cause disease. This variant has not been reported in the literature in individuals affected with NOD2-related conditions. ClinVar contains an entry for this variant (Variation ID: 2146133). In summary, the available evidence is currently insufficient to determine the role of this variant in disease. Therefore, it has been classified as a Variant of Uncertain Significance. This variant is present in population databases (no rsID available, gnomAD 0.002%).

Blueprint Genetics
Classification: Uncertain significance. Last evaluated: 2021-07-01. Review status: criteria provided, single submitter. Criteria: ACMG Guidelines, 2015. Collection method: clinical testing. Allele origin: germline.